The following is an entry in ClinVar:

NM_000503.6(EYA1):c.229C>T (p.Arg77Ter)

Gene: EYA1 (EYA transcriptional coactivator and phosphatase 1; minus strand). Cytogenetic location: 8q13.3.
Variant type: single nucleotide variant.
Coding change: c.229C>T on transcript NM_000503.6 (MANE Select); coding-DNA position 229, C replaced by T.
Protein change: p.Arg77Ter; replaces arginine 77 with a stop codon.
Molecular consequence: nonsense. On other transcripts: 5 prime UTR variant (1).
Genome position (GRCh38, 1-based): chr8:71,322,242, G>A on the plus strand (C>T on the coding strand, the complement: EYA1 is on the minus strand). VCF-style: chr8-71322242-G-A. GRCh37 (hg19) VCF-style: chr8-72234477-G-A.
Other names: c.229C>T, p.Arg77Ter (NM_001288574.2, NM_001370334.1, NM_001370335.1 and 1 more transcripts); c.-56C>T (NM_001288575.2); c.316C>T, p.Arg106Ter (NM_001370333.1, NM_001370336.1, NM_172059.5); short protein forms R77*, R106*.
Identifiers: ClinVar variation 459254 (VCV000459254.15), dbSNP rs200164773, ClinGen allele CA371468970.

ClinVar aggregate classification (germline): Pathogenic/Likely pathogenic. Review status: criteria provided, multiple submitters, no conflicts (2 of 4 stars). 4 submissions from 4 submitters: Pathogenic (1); Likely pathogenic (3). Last evaluated 2024-09-04.

Conditions:
Melnick-Fraser syndrome (BOR). Also called: Branchiootorenal syndrome; Branchiootorenal Syndrome (BORS); Branchio-oto-renal syndrome. Identifiers: Orphanet 107, MedGen C0265234, MONDO:0007029.
Branchiootorenal syndrome 1. Also called: Branchio-Oto-Renal Syndrome 1. Identifiers: Orphanet 107, MedGen C4551702, MONDO:0007236, OMIM 113650.
Branchiootic syndrome 1 (BOS1). Also called: BO SYNDROME 1; BRANCHIOOTIC DYSPLASIA. Identifiers: MedGen C1865143, MONDO:0011258, OMIM 602588.
Otofaciocervical syndrome 1 (OTFCS). Identifiers: MedGen C3714941, MONDO:0024532, OMIM 166780.

Allele frequency attached by ClinVar (database versions not stated): gnomAD exomes below 0.00001; gnomAD 0.00001.
gnomAD v4.1: 8 of 1,613,866 alleles (0.0005%); highest among the groups gnomAD compares: Middle Eastern, 0.016%; no homozygotes.

Submissions (4):

GeneDx
Classification: Likely pathogenic. Last evaluated: 2024-09-04. Review status: criteria provided, single submitter. Criteria: GeneDx Variant Classification Process June 2021. Collection method: clinical testing. Allele origin: germline. Affected: yes.
Comment: Nonsense variant predicted to result in protein truncation or nonsense mediated decay in a gene for which loss of function is a known mechanism of disease; Not observed at significant frequency in large population cohorts (gnomAD); Reported as c.316C>T p.(Arg106Ter), de novo variant with confirmed parentage in a fetus with cleft lip and palate on ultrasound; however additional clinical information was not provided (PMID: 37745857); This variant is associated with the following publications: (PMID: 31589614, 33240318, 37745857)

Labcorp Genetics (formerly Invitae), Labcorp
Classification: Pathogenic for Melnick-Fraser syndrome. Last evaluated: 2024-08-08. Review status: criteria provided, single submitter. Criteria: Invitae Variant Classification Sherloc (09022015). Collection method: clinical testing. Allele origin: germline.
Comment: This sequence change creates a premature translational stop signal (p.Arg77*) in the EYA1 gene. It is expected to result in an absent or disrupted protein product. Loss-of-function variants in EYA1 are known to be pathogenic (PMID: 10464653, 18220287). This variant is present in population databases (no rsID available, gnomAD 0.003%). This premature translational stop signal has been observed in individual(s) with clinical features of EYA1-related conditions (PMID: 33240318). ClinVar contains an entry for this variant (Variation ID: 459254). For these reasons, this variant has been classified as Pathogenic.

Fulgent Genetics
Classification: Likely pathogenic for Branchiootorenal syndrome 1; Otofaciocervical syndrome 1; Branchiootic syndrome 1. Last evaluated: 2022-02-25. Review status: criteria provided, single submitter. Criteria: ACMG Guidelines, 2015. Collection method: clinical testing. Allele origin: unknown.

AiLife Diagnostics
Classification: Likely pathogenic. Last evaluated: 2021-06-25. Review status: criteria provided, single submitter. Criteria: ACMG Guidelines, 2015. Collection method: clinical testing. Allele origin: germline. Affected: yes. Observed: 1 variant allele.

Literature cited by the submitters: PubMed 10464653 (cited by Labcorp Genetics (formerly Invitae), Labcorp); PubMed 18220287 (cited by Labcorp Genetics (formerly Invitae), Labcorp); PubMed 33240318 (cited by Labcorp Genetics (formerly Invitae), Labcorp and AiLife Diagnostics).